The following is an entry in ClinVar:

NM_000342.4(SLC4A1):c.1430C>T (p.Ser477Leu)

Gene: SLC4A1 (solute carrier family 4 member 1 (Diego blood group); minus strand). Cytogenetic location: 17q21.31.
Variant type: single nucleotide variant.
Coding change: c.1430C>T on transcript NM_000342.4 (MANE Select); coding-DNA position 1430, C replaced by T.
Protein change: p.Ser477Leu; replaces serine 477 with leucine.
Molecular consequence: missense variant.
Genome position (GRCh38, 1-based): chr17:44,257,660, G>A on the plus strand (C>T on the coding strand, the complement: SLC4A1 is on the minus strand). VCF-style: chr17-44257660-G-A. GRCh37 (hg19) VCF-style: chr17-42335028-G-A.
Other names: short protein forms S477L.
Identifiers: ClinVar variation 3582111 (VCV003582111.2).

ClinVar aggregate classification (germline): Uncertain significance. Review status: criteria provided, multiple submitters, no conflicts (2 of 4 stars). 2 submissions from 2 submitters: Uncertain significance (2). Last evaluated 2025-09-29.

Conditions:
Hereditary spherocytosis type 4. Also called: SLC4A1-Related Spherocytosis. Identifiers: Orphanet 822, MedGen C2675212, MONDO:0012981, OMIM 612653.
BLOOD GROUP--SWANN SYSTEM (SW). Also called: SWANN BLOOD GROUP. Identifiers: MedGen C1832169, OMIM 601550.
BLOOD GROUP, WALDNER (WD). Also called: WALDNER BLOOD GROUP ANTIGEN. Identifiers: MedGen C1862191, OMIM 112010.
Southeast Asian ovalocytosis. Also called: Stomatocytic elliptocytosis, hereditary; Ovalocytosis, Malaysian-Melanesian-Filipino type; Elliptocytosis 4; HE, STOMATOCYTIC. Identifiers: Orphanet 98868, MedGen C1862322, MONDO:0008165, OMIM 166900.
Autosomal dominant distal renal tubular acidosis (DRTA1). Also called: RENAL TUBULAR ACIDOSIS, DISTAL, 1; RTA, CLASSIC TYPE; RTA, DISTAL TYPE, AUTOSOMAL DOMINANT; RTA, GRADIENT TYPE; Renal Tubular Acidosis, Type I. Identifiers: Orphanet 93608, MedGen CN280572, MONDO:0008368, OMIM 179800.
BLOOD GROUP--DIEGO SYSTEM (DI). Identifiers: MedGen C1292286, OMIM 110500.
BLOOD GROUP--WRIGHT ANTIGEN (WR). Identifiers: MedGen C1862190, OMIM 112050.
Malaria, susceptibility to. Identifiers: Orphanet 673, MedGen C1970028, MONDO:0021024, OMIM 611162.
Cryohydrocytosis. Also called: STOMATOCYTOSIS, COLD-SENSITIVE; CRYOHYDROCYTOSIS DUE TO BAND 3 HEMEL; CRYOHYDROCYTOSIS DUE TO BAND 3 HURSTPIERPOINT; CRYOHYDROCYTOSIS DUE TO BAND 3 BLACKBURN; Hereditary cryohydrocytosis with normal stomatin. Identifiers: Orphanet 398088, MedGen C1861453, MONDO:0008494, OMIM 185020.
Renal tubular acidosis, distal, 4, with hemolytic anemia. Also called: Renal Tubular Acidosis, Distal, with Hemolytic Anemia. Identifiers: Orphanet 93610, MedGen C5436235, MONDO:0012700, OMIM 611590.
BLOOD GROUP--FROESE (FR). Also called: FROESE BLOOD GROUP ANTIGEN. Identifiers: MedGen C1832168, OMIM 601551.

gnomAD v4.1: 19 of 1,613,672 alleles (0.0012%); highest among the groups gnomAD compares: East Asian, 0.0067%; no homozygotes.

Submissions (2):

Labcorp Genetics (formerly Invitae), Labcorp
Classification: Uncertain significance. Last evaluated: 2025-09-29. Review status: criteria provided, single submitter. Criteria: Invitae Variant Classification Sherloc (09022015). Collection method: clinical testing. Allele origin: germline.
Comment: This sequence change replaces serine, which is neutral and polar, with leucine, which is neutral and non-polar, at codon 477 of the SLC4A1 protein (p.Ser477Leu). This variant is present in population databases (rs777540700, gnomAD 0.003%). This variant has not been reported in the literature in individuals affected with SLC4A1-related conditions. ClinVar contains an entry for this variant (Variation ID: 3582111). An algorithm developed to predict the effect of missense changes on protein structure and function (PolyPhen-2) suggests that this variant is likely to be tolerated. Algorithms developed to predict the effect of sequence changes on RNA splicing suggest that this variant may disrupt the consensus splice site. In summary, the available evidence is currently insufficient to determine the role of this variant in disease. Therefore, it has been classified as a Variant of Uncertain Significance.

Fulgent Genetics
Classification: Uncertain significance for BLOOD GROUP--DIEGO SYSTEM; BLOOD GROUP, WALDNER; BLOOD GROUP--WRIGHT ANTIGEN; Southeast Asian ovalocytosis; Autosomal dominant distal renal tubular acidosis; Cryohydrocytosis; BLOOD GROUP--SWANN SYSTEM; BLOOD GROUP--FROESE; Malaria, susceptibility to; Renal tubular acidosis, distal, 4, with hemolytic anemia; Hereditary spherocytosis type 4. Last evaluated: 2024-06-18. Review status: criteria provided, single submitter. Criteria: ACMG Guidelines, 2015. Collection method: clinical testing. Allele origin: germline.